The following is an entry in ClinVar:

NM_004958.4(MTOR):c.21C>T (p.Ala7=)

Gene: MTOR (mechanistic target of rapamycin kinase; minus strand). Cytogenetic location: 1p36.22.
Variant type: single nucleotide variant.
Coding change: c.21C>T on transcript NM_004958.4 (MANE Select); coding-DNA position 21, C replaced by T.
Protein change: p.Ala7=; no amino-acid change (alanine 7 retained).
Molecular consequence: synonymous variant. On other transcripts: 5 prime UTR variant (1).
Genome position (GRCh38, 1-based): chr1:11,259,389, G>A on the plus strand (C>T on the coding strand, the complement: MTOR is on the minus strand). VCF-style: chr1-11259389-G-A. GRCh37 (hg19) VCF-style: chr1-11319446-G-A.
Other names: c.21C>T, p.Ala7= (NM_001386500.1); c.-1119C>T (NM_001386501.1).
Identifiers: ClinVar variation 1129098 (VCV001129098.15), dbSNP rs371674142, ClinGen allele CA591048.

ClinVar aggregate classification (germline): Likely benign. Review status: criteria provided, multiple submitters, no conflicts (2 of 4 stars). 3 submissions from 3 submitters: Likely benign (3). Last evaluated 2025-11-01.

Allele frequency attached by ClinVar (database versions not stated): ExAC 0.00003; gnomAD 0.00003; TOPMed 0.00003; gnomAD exomes 0.00004; ESP Exome Variant Server 0.00015.
gnomAD v4.1: 53 of 1,586,866 alleles (0.0033%); highest among the groups gnomAD compares: Non-Finnish European, 0.0039%; no homozygotes.

Submissions (3):

CeGaT Center for Human Genetics Tuebingen
Classification: Likely benign. Last evaluated: 2025-11-01. Review status: criteria provided, single submitter. Criteria: CeGaT Center For Human Genetics Tuebingen Variant Classification Criteria Version 2. Collection method: clinical testing. Allele origin: germline. Affected: yes. Observed: 1 variant allele.
Comment: MTOR: BP4, BP7

Labcorp Genetics (formerly Invitae), Labcorp
Classification: Likely benign. Last evaluated: 2025-03-07. Review status: criteria provided, single submitter. Criteria: Invitae Variant Classification Sherloc (09022015). Collection method: clinical testing. Allele origin: germline.

Blueprint Genetics
Classification: Likely benign. Last evaluated: 2023-10-06. Review status: criteria provided, single submitter. Criteria: ACMG Guidelines, 2015. Collection method: clinical testing. Allele origin: germline.